The following is an entry in ClinVar:

ClinVar aggregate classification (germline): Uncertain significance (1 of 4 stars; one submission).

Submission:

Labcorp Genetics (formerly Invitae), Labcorp
Classification: Uncertain significance. Last evaluated: 2022-12-16. Review status: criteria provided, single submitter. Criteria: Invitae Variant Classification Sherloc (09022015). Collection method: clinical testing. Allele origin: germline.
Comment: This sequence change replaces isoleucine, which is neutral and non-polar, with methionine, which is neutral and non-polar, at codon 2136 of the COL7A1 protein (p.Ile2136Met). This variant is not present in population databases (gnomAD no frequency). This variant has not been reported in the literature in individuals affected with COL7A1-related conditions. Advanced modeling of protein sequence and biophysical properties (such as structural, functional, and spatial information, amino acid conservation, physicochemical variation, residue mobility, and thermodynamic stability) performed at Invitae indicates that this missense variant is not expected to disrupt COL7A1 protein function. In summary, the available evidence is currently insufficient to determine the role of this variant in disease. Therefore, it has been classified as a Variant of Uncertain Significance.

NM_000094.4(COL7A1):c.6408C>G (p.Ile2136Met)

Gene: COL7A1 (collagen type VII alpha 1 chain; minus strand). Cytogenetic location: 3p21.31.
Variant type: single nucleotide variant.
Coding change: c.6408C>G on transcript NM_000094.4 (MANE Select); coding-DNA position 6408, C replaced by G.
Protein change: p.Ile2136Met; replaces isoleucine 2136 with methionine.
Molecular consequence: missense variant.
Genome position (GRCh38, 1-based): chr3:48,574,536, G>C on the plus strand (C>G on the coding strand, the complement: COL7A1 is on the minus strand). VCF-style: chr3-48574536-G-C. GRCh37 (hg19) VCF-style: chr3-48611969-G-C.
Other names: short protein forms I2136M.
Identifiers: ClinVar variation 1979657 (VCV001979657.4), dbSNP rs2530948577, ClinGen allele CA352658693.